The following is an entry in ClinVar:

ClinVar aggregate classification (germline): Uncertain significance (1 of 4 stars; one submission).

Conditions:
Inborn genetic diseases. Identifiers: MedGen C0950123, MeSH D030342.

Submission:

Ambry Genetics
Classification: Uncertain significance for Inborn genetic diseases. Last evaluated: 2026-04-22. Review status: criteria provided, single submitter. Criteria: Ambry Variant Classification Scheme 2023. Collection method: clinical testing. Allele origin: germline.
Comment: The p.F1434L variant (also known as c.4300T>C), located in coding exon 1 of the SAMD9L gene, results from a T to C substitution at nucleotide position 4300. The phenylalanine at codon 1434 is replaced by leucine, an amino acid with highly similar properties. This amino acid position is conserved. In addition, this alteration is predicted to be tolerated by in silico analysis. Based on the available evidence, the clinical significance of this variant remains unclear.

NM_152703.5(SAMD9L):c.4300T>C (p.Phe1434Leu)

Gene: SAMD9L (sterile alpha motif domain containing 9 like; minus strand). Cytogenetic location: 7q21.2.
Variant type: single nucleotide variant.
Coding change: c.4300T>C on transcript NM_152703.5 (MANE Select); coding-DNA position 4300, T replaced by C.
Protein change: p.Phe1434Leu; replaces phenylalanine 1434 with leucine.
Molecular consequence: missense variant.
Genome position (GRCh38, 1-based): chr7:93,131,672, A>G on the plus strand (T>C on the coding strand, the complement: SAMD9L is on the minus strand). VCF-style: chr7-93131672-A-G. GRCh37 (hg19) VCF-style: chr7-92760985-A-G.
Other names: c.4300T>C, p.Phe1434Leu (NM_001303496.3, NM_001303497.3, NM_001303498.3 and 5 more transcripts); short protein forms F1434L.
Identifiers: ClinVar variation 4863960 (VCV004863960.1).